The following is an entry in ClinVar:

ClinVar aggregate classification (germline): Likely benign (0 of 4 stars; one submission).

Conditions:
SEMA3E-related disorder. Also called: SEMA3E-related condition.

Submission:

PreventionGenetics, part of Exact Sciences
Classification: Likely benign for SEMA3E-related condition. Last evaluated: 2023-01-05. Review status: no assertion criteria provided. Collection method: clinical testing. Allele origin: germline.
Comment: This variant is classified as likely benign based on ACMG/AMP sequence variant interpretation guidelines (Richards et al. 2015 PMID: 25741868, with internal and published modifications).

NM_012431.3(SEMA3E):c.1143T>G (p.Ser381=)

Gene: SEMA3E (semaphorin 3E; minus strand). Cytogenetic location: 7q21.11.
Variant type: single nucleotide variant.
Coding change: c.1143T>G on transcript NM_012431.3 (MANE Select); coding-DNA position 1143, T replaced by G.
Protein change: p.Ser381=; no amino-acid change (serine 381 retained).
Molecular consequence: synonymous variant.
Genome position (GRCh38, 1-based): chr7:83,402,632, A>C on the plus strand (T>G on the coding strand, the complement: SEMA3E is on the minus strand). VCF-style: chr7-83402632-A-C. GRCh37 (hg19) VCF-style: chr7-83031948-A-C.
Other names: c.963T>G, p.Ser321= (NM_001178129.2).
Identifiers: ClinVar variation 3055428 (VCV003055428.2), dbSNP rs2484310463, ClinGen allele CA456134137.